The following is an entry in ClinVar:

NM_000321.3(RB1):c.2346dup (p.Pro783fs)

Gene: RB1 (RB transcriptional corepressor 1; plus strand). Cytogenetic location: 13q14.2.
Variant type: Duplication.
Coding change: c.2346dup on transcript NM_000321.3 (MANE Select); coding-DNA position 2346, one base duplicated (A; older notation c.2346dupA).
Protein change: p.Pro783fs; shifts the reading frame from proline 783.
Molecular consequence: frameshift variant.
Genome position (GRCh38, 1-based): chr13:48,465,225, A duplicated. VCF-style (leftmost placement, unchanged base first): chr13-48465224-T-TA. GRCh37 (hg19) VCF-style: chr13-49039360-T-TA.
Other names: c.2346dup, p.Pro783Thrfs (NM_001407165.1); c.2346dupA (NM_000321.2); short protein forms P783fs.
Identifiers: ClinVar variation 1789925 (VCV001789925.2), dbSNP rs2542375698, ClinGen allele CA2580087690.
Genomic context (GRCh38, chr13:48,465,224, plus strand): 5'-AAACATTAAATAAATAATCTACTTTTTTGTTTTTGCTCTAGCCCCCTACCTTGTCACCAA[T>TA]ACCTCACATTCCTCGAAGCCCTTACAAGTTTCCTAGTTCACCCTTACGGATTCCTGGAGG-3'

ClinVar aggregate classification (germline): Pathogenic (1 of 4 stars; one submission).

Conditions:
Hereditary cancer-predisposing syndrome. Also called: Hereditary Cancer Syndrome; Hereditary neoplastic syndrome; Tumor predisposition; Neoplastic Syndromes, Hereditary. Identifiers: Orphanet 140162, MedGen C0027672, MeSH D009386, MONDO:0015356.

Submission:

Ambry Genetics
Classification: Pathogenic for Hereditary cancer-predisposing syndrome. Last evaluated: 2021-06-14. Review status: criteria provided, single submitter. Criteria: Ambry Variant Classification Scheme 2023. Collection method: clinical testing. Allele origin: germline.
Comment: The c.2346dupA variant, located in coding exon 23 of the RB1 gene, results from a duplication of A at nucleotide position 2346, causing a translational frameshift with a predicted alternate stop codon (p.P783Tfs*12). This alteration is expected to result in loss of function by premature protein truncation or nonsense-mediated mRNA decay. As such, this alteration is interpreted as a disease-causing mutation.